The following is an entry in ClinVar:

NM_020461.4(TUBGCP6):c.1115A>G (p.Gln372Arg)

Gene: TUBGCP6 (tubulin gamma complex component 6; minus strand). Cytogenetic location: 22q13.33.
Variant type: single nucleotide variant.
Coding change: c.1115A>G on transcript NM_020461.4 (MANE Select); coding-DNA position 1115, A replaced by G.
Protein change: p.Gln372Arg; replaces glutamine 372 with arginine.
Molecular consequence: missense variant.
Genome position (GRCh38, 1-based): chr22:50,233,317, T>C on the plus strand (A>G on the coding strand, the complement: TUBGCP6 is on the minus strand). VCF-style: chr22-50233317-T-C. GRCh37 (hg19) VCF-style: chr22-50671746-T-C.
Other names: short protein forms Q372R.
Identifiers: ClinVar variation 2417664 (VCV002417664.6), dbSNP rs2519177291, ClinGen allele CA412109597.

ClinVar aggregate classification (germline): Uncertain significance (1 of 4 stars; one submission).

Allele frequency attached by ClinVar (database versions not stated): gnomAD exomes below 0.00001.
gnomAD v4.1: 4 of 1,612,080 alleles (0.00025%); highest among the groups gnomAD compares: Non-Finnish European, 0.00025%; no homozygotes.

Submission:

Labcorp Genetics (formerly Invitae), Labcorp
Classification: Uncertain significance. Last evaluated: 2022-03-14. Review status: criteria provided, single submitter. Criteria: Invitae Variant Classification Sherloc (09022015). Collection method: clinical testing. Allele origin: germline.
Comment: In summary, the available evidence is currently insufficient to determine the role of this variant in disease. Therefore, it has been classified as a Variant of Uncertain Significance. Algorithms developed to predict the effect of missense changes on protein structure and function are either unavailable or do not agree on the potential impact of this missense change (SIFT: "Deleterious"; PolyPhen-2: "Benign"; Align-GVGD: "Class C0"). This variant has not been reported in the literature in individuals affected with TUBGCP6-related conditions. This variant is not present in population databases (gnomAD no frequency). This sequence change replaces glutamine, which is neutral and polar, with arginine, which is basic and polar, at codon 372 of the TUBGCP6 protein (p.Gln372Arg).